The following is an entry in ClinVar:

NM_018406.7(MUC4):c.8013G>C (p.Thr2671=)

Gene: MUC4 (mucin 4, cell surface associated). Cytogenetic location: 3q29.
Variant type: single nucleotide variant.
Coding change: c.8013G>C on transcript NM_018406.7 (MANE Select); coding-DNA position 8013, G replaced by C.
Protein change: p.Thr2671=; no amino-acid change (threonine 2671 retained).
Molecular consequence: synonymous variant. On other transcripts: genic upstream transcript variant (2).
Genome position (GRCh38, 1-based): chr3:195,783,567, C>G on the plus strand (G>C on the coding strand, the complement: MUC4 is on the minus strand). VCF-style: chr3-195783567-C-G. GRCh37 (hg19) VCF-style: chr3-195510438-C-G.
Other names: c.83-9262G>C (NM_138297.5); c.83-5112G>C (NM_004532.6).
Identifiers: ClinVar variation 2654459 (VCV002654459.24), dbSNP rs773690397, ClinGen allele CA2771914.

ClinVar aggregate classification (germline): Likely benign (1 of 4 stars; one submission).

Allele frequency attached by ClinVar (database versions not stated): ExAC 0.05208.

Submission:

CeGaT Center for Human Genetics Tuebingen
Classification: Likely benign. Last evaluated: 2022-08-01. Review status: criteria provided, single submitter. Criteria: CeGaT Center For Human Genetics Tuebingen Variant Classification Criteria Version 2. Collection method: clinical testing. Allele origin: germline. Affected: yes. Observed: 1 variant allele.
Comment: MUC4: BP4, BP7